The following is an entry in ClinVar:

NM_005732.4(RAD50):c.2453G>T (p.Gly818Val)

Gene: RAD50 (RAD50 double strand break repair protein; plus strand). Cytogenetic location: 5q31.1.
Variant type: single nucleotide variant.
Coding change: c.2453G>T on transcript NM_005732.4 (MANE Select); coding-DNA position 2453, G replaced by T.
Protein change: p.Gly818Val; replaces glycine 818 with valine.
Molecular consequence: missense variant.
Genome position (GRCh38, 1-based): chr5:132,603,975, G>T. VCF-style: chr5-132603975-G-T. GRCh37 (hg19) VCF-style: chr5-131939667-G-T.
Other names: short protein forms G818V.
Identifiers: ClinVar variation 2816657 (VCV002816657.3), dbSNP rs2479666221, ClinGen allele CA360955580.
Genomic context (GRCh38, chr5:132,603,975, plus strand): 5'-TTAAGATGGAACTTAAAGATGTTGAAAGAAAAATTGCACAACAAGCAGCTAAGCTACAAG[G>T]AATAGACTTAGATCGAACTGTCCAACAAGTCAACCAGGAGAAACAAGAGAAACAGCACAA-3'
Protein context (NP_005723.2, residues 808-828): KIAQQAAKLQ[Gly818Val]IDLDRTVQQV

ClinVar aggregate classification (germline): Uncertain significance (1 of 4 stars; one submission).

Conditions:
Hereditary cancer-predisposing syndrome. Also called: Neoplastic Syndromes, Hereditary; Tumor predisposition; Hereditary Cancer Syndrome; Hereditary neoplastic syndrome. Identifiers: Orphanet 140162, MedGen C0027672, MeSH D009386, MONDO:0015356.

Allele frequency attached by ClinVar (database versions not stated): gnomAD exomes 0.00001.
gnomAD v4.1: 5 of 1,612,578 alleles (0.00031%); highest among the groups gnomAD compares: Non-Finnish European, 0.00042%; no homozygotes.

Submission:

Labcorp Genetics (formerly Invitae), Labcorp
Classification: Uncertain significance for Hereditary cancer-predisposing syndrome. Last evaluated: 2023-01-11. Review status: criteria provided, single submitter. Criteria: Invitae Variant Classification Sherloc (09022015). Collection method: clinical testing. Allele origin: germline.
Comment: This sequence change replaces glycine, which is neutral and non-polar, with valine, which is neutral and non-polar, at codon 818 of the RAD50 protein (p.Gly818Val). This variant is not present in population databases (gnomAD no frequency). This variant has not been reported in the literature in individuals affected with RAD50-related conditions. Advanced modeling of protein sequence and biophysical properties (such as structural, functional, and spatial information, amino acid conservation, physicochemical variation, residue mobility, and thermodynamic stability) has been performed at Invitae for this missense variant, however the output from this modeling did not meet the statistical confidence thresholds required to predict the impact of this variant on RAD50 protein function. In summary, the available evidence is currently insufficient to determine the role of this variant in disease. Therefore, it has been classified as a Variant of Uncertain Significance.